The following is an entry in ClinVar:

ClinVar aggregate classification (germline): Uncertain significance (1 of 4 stars; one submission).

gnomAD v4.1: 11 of 1,611,630 alleles (0.00068%); highest among the groups gnomAD compares: East Asian, 0.02%; no homozygotes.

Submission:

Labcorp Genetics (formerly Invitae), Labcorp
Classification: Uncertain significance. Last evaluated: 2026-01-12. Review status: criteria provided, single submitter. Criteria: Invitae Variant Classification Sherloc (09022015). Collection method: clinical testing. Allele origin: germline.
Comment: This sequence change replaces arginine, which is basic and polar, with histidine, which is basic and polar, at codon 1141 of the CARMIL2 protein (p.Arg1141His). This variant is present in population databases (rs766381878, gnomAD 0.006%). This variant has not been reported in the literature in individuals affected with CARMIL2-related conditions. ClinVar contains an entry for this variant (Variation ID: 3623653). Invitae Evidence Modeling of protein sequence and biophysical properties (such as structural, functional, and spatial information, amino acid conservation, physicochemical variation, residue mobility, and thermodynamic stability) indicates that this missense variant is not expected to disrupt CARMIL2 protein function with a negative predictive value of 80%. In summary, the available evidence is currently insufficient to determine the role of this variant in disease. Therefore, it has been classified as a Variant of Uncertain Significance.

NM_001013838.3(CARMIL2):c.3422G>A (p.Arg1141His)

Gene: CARMIL2 (capping protein regulator and myosin 1 linker 2; plus strand). Cytogenetic location: 16q22.1.
Variant type: single nucleotide variant.
Coding change: c.3422G>A on transcript NM_001013838.3 (MANE Select); coding-DNA position 3422, G replaced by A.
Protein change: p.Arg1141His; replaces arginine 1141 with histidine.
Molecular consequence: missense variant.
Genome position (GRCh38, 1-based): chr16:67,654,532, G>A. VCF-style: chr16-67654532-G-A. GRCh37 (hg19) VCF-style: chr16-67688435-G-A.
Other names: c.3314G>A, p.Arg1105His (NM_001317026.3); short protein forms R1105H, R1141H.
Identifiers: ClinVar variation 3623653 (VCV003623653.2).